The following is an entry in ClinVar:

ClinVar aggregate classification (germline): Likely pathogenic (1 of 4 stars; one submission).

Conditions:
Polyglandular autoimmune syndrome, type 1 (APS1). Also called: PGA I; Autoimmune polyendocrine syndrome type 1; AUTOIMMUNE POLYENDOCRINE SYNDROME, TYPE I, WITH OR WITHOUT REVERSIBLE METAPHYSEAL DYSPLASIA; APS I; Autoimmune polyendocrinopathy syndrome, type I; HYPOADRENOCORTICISM WITH HYPOPARATHYROIDISM AND SUPERFICIAL MONILIASIS. Identifiers: Orphanet 3453, MedGen C0085859, MONDO:0009411, OMIM 240300.

Submission:

Myriad Genetics, Inc.
Classification: Likely pathogenic for Polyglandular autoimmune syndrome, type 1. Last evaluated: 2022-01-02. Review status: criteria provided, single submitter. Criteria: Myriad Women's Health Autosomal Recessive and X-Linked Classification Criteria (2021). Collection method: clinical testing. Allele origin: unknown.
Comment: NM_000383.3(AIRE):c.1122_1123ins19(E375Lfs*7) is expected to be pathogenic in the context of autoimmune polyglandular syndrome type 1. This variant is predicted to lead to an abnormal or absent protein product due to the creation of a premature termination codon in AIRE, a gene where loss-of-function variants are known to be pathogenic. Please note: this variant was assessed in the context of healthy population screening.

NM_000383.4(AIRE):c.1122_1123insCTGTCTCTTATACACATCT (p.Glu375delinsLeuSerLeuIleHisIleTer)

Gene: AIRE (autoimmune regulator; plus strand). Cytogenetic location: 21q22.3.
Variant type: Insertion.
Coding change: c.1122_1123insCTGTCTCTTATACACATCT on transcript NM_000383.4 (MANE Select); coding-DNA positions 1122 to 1123, CTGTCTCTTATACACATCT inserted.
Protein change: p.Glu375delinsLeuSerLeuIleHisIleTer.
Molecular consequence: nonsense.
Genome position: GRCh38 VCF-style: chr21-44293019-A-ACTGTCTCTTATACACATCT. GRCh37 (hg19) VCF-style: chr21-45712902-A-ACTGTCTCTTATACACATCT.
Identifiers: ClinVar variation 1726889 (VCV001726889.2), dbSNP rs2517884545, ClinGen allele CA2580098822.